The following is an entry in ClinVar:

NM_015450.3(POT1):c.1357C>T (p.Leu453Phe)

Gene: POT1 (protection of telomeres 1; minus strand). Cytogenetic location: 7q31.33.
Variant type: single nucleotide variant.
Coding change: c.1357C>T on transcript NM_015450.3 (MANE Select); coding-DNA position 1357, C replaced by T.
Protein change: p.Leu453Phe; replaces leucine 453 with phenylalanine.
Molecular consequence: missense variant. On other transcripts: non-coding transcript variant (3).
Genome position (GRCh38, 1-based): chr7:124,840,985, G>A on the plus strand (C>T on the coding strand, the complement: POT1 is on the minus strand). VCF-style: chr7-124840985-G-A. GRCh37 (hg19) VCF-style: chr7-124481039-G-A.
Other names: c.964C>T, p.Leu322Phe (NM_001042594.2); short protein forms L453F, L322F.
Identifiers: ClinVar variation 5027199 (VCV005027199.1).

ClinVar aggregate classification (germline): Uncertain significance (1 of 4 stars; one submission).

Conditions:
Hereditary cancer-predisposing syndrome. Also called: Neoplastic Syndromes, Hereditary; Tumor predisposition; Hereditary neoplastic syndrome; Hereditary Cancer Syndrome. Identifiers: Orphanet 140162, MedGen C0027672, MeSH D009386, MONDO:0015356.

Submission:

Ambry Genetics
Classification: Uncertain significance for Hereditary cancer-predisposing syndrome. Last evaluated: 2026-09-05. Review status: criteria provided, single submitter. Criteria: Ambry Variant Classification Scheme 2023. Collection method: clinical testing. Allele origin: germline.
Comment: The p.L453F variant (also known as c.1357C>T), located in coding exon 10 of the POT1 gene, results from a C to T substitution at nucleotide position 1357. The leucine at codon 453 is replaced by phenylalanine, an amino acid with highly similar properties. This amino acid position is conserved. In addition, this alteration is predicted to be tolerated by in silico analysis. Based on the available evidence, the clinical significance of this variant remains unclear.